The following is an entry in ClinVar:

NM_001033855.3(DCLRE1C):c.752C>G (p.Thr251Ser)

Gene: DCLRE1C (DNA cross-link repair 1C; minus strand). Cytogenetic location: 10p13.
Variant type: single nucleotide variant.
Coding change: c.752C>G on transcript NM_001033855.3 (MANE Select); coding-DNA position 752, C replaced by G.
Protein change: p.Thr251Ser; replaces threonine 251 with serine.
Molecular consequence: missense variant. On other transcripts: non-coding transcript variant (4).
Genome position (GRCh38, 1-based): chr10:14,932,882, G>C on the plus strand (C>G on the coding strand, the complement: DCLRE1C is on the minus strand). VCF-style: chr10-14932882-G-C. GRCh37 (hg19) VCF-style: chr10-14974881-G-C.
Other names: c.392C>G, p.Thr131Ser (NM_001033857.3, NM_001033858.3, NM_001289077.2 and 2 more transcripts); c.407C>G, p.Thr136Ser (NM_001289076.2, NM_001289078.2, NM_001350966.2 and 1 more transcripts); c.752C>G, p.Thr251Ser (NM_001350965.2); short protein forms T131S, T251S, T136S.
Identifiers: ClinVar variation 2275234 (VCV002275234.3), dbSNP rs1167136909, ClinGen allele CA376058370.

ClinVar aggregate classification (germline): Uncertain significance. Review status: criteria provided, multiple submitters, no conflicts (2 of 4 stars). 2 submissions from 2 submitters: Uncertain significance (2). Last evaluated 2023-11-02.

Conditions:
Inborn genetic diseases. Identifiers: MedGen C0950123, MeSH D030342.
Severe combined immunodeficiency due to DCLRE1C deficiency (RS-SCID). Also called: SCID, AUTOSOMAL RECESSIVE, T CELL-NEGATIVE, B CELL-NEGATIVE, NK CELL-POSITIVE, WITH SENSITIVITY TO IONIZING RADIATION. Identifiers: Orphanet 275, MedGen C1865371, MONDO:0011225, OMIM 602450.

Allele frequency attached by ClinVar (database versions not stated): gnomAD exomes below 0.00001.
gnomAD v4.1: 1 of 1,614,218 alleles (0.000062%); highest among the groups gnomAD compares: Admixed American, 0.0017%; no homozygotes.

Submissions (2):

Labcorp Genetics (formerly Invitae), Labcorp
Classification: Uncertain significance for Athabaskan severe combined immunodeficiency. Last evaluated: 2023-11-02. Review status: criteria provided, single submitter. Criteria: Invitae Variant Classification Sherloc (09022015). Collection method: clinical testing. Allele origin: germline.
Comment: This sequence change replaces threonine, which is neutral and polar, with serine, which is neutral and polar, at codon 251 of the DCLRE1C protein (p.Thr251Ser). This variant is present in population databases (no rsID available, gnomAD 0.003%). This variant has not been reported in the literature in individuals affected with DCLRE1C-related conditions. ClinVar contains an entry for this variant (Variation ID: 2275234). Advanced modeling of protein sequence and biophysical properties (such as structural, functional, and spatial information, amino acid conservation, physicochemical variation, residue mobility, and thermodynamic stability) performed at Invitae indicates that this missense variant is not expected to disrupt DCLRE1C protein function with a negative predictive value of 80%. In summary, the available evidence is currently insufficient to determine the role of this variant in disease. Therefore, it has been classified as a Variant of Uncertain Significance.

Ambry Genetics
Classification: Uncertain significance for Inborn genetic diseases. Last evaluated: 2022-02-02. Review status: criteria provided, single submitter. Criteria: Ambry Variant Classification Scheme 2023. Collection method: clinical testing. Allele origin: germline.